The following is an entry in ClinVar:

ClinVar aggregate classification (germline): Conflicting classifications of pathogenicity. Review status: criteria provided, conflicting classifications (1 of 4 stars). 4 submissions from 4 submitters: Uncertain significance (3); Likely benign (1). Last evaluated 2025-12-08.

Conditions:
Fanconi anemia (FA). Also called: Fanconi's anemia. Identifiers: Orphanet 84, MedGen C0015625, MeSH D005199, MONDO:0019391.
Fanconi anemia complementation group A (FANCA). Also called: FANCA-Related Fanconi Anemia; Fanconi anemia, group A. Identifiers: Orphanet 84, MedGen C3469521, MONDO:0009215, OMIM 227650.

Allele frequency attached by ClinVar (database versions not stated): gnomAD 0.00001; TOPMed 0.00003; gnomAD exomes 0.00004; ExAC 0.00005; ESP Exome Variant Server 0.00008.
gnomAD v4.1: 32 of 1,614,012 alleles (0.002%); highest among the groups gnomAD compares: Non-Finnish European, 0.0016%; no homozygotes.

Submissions (4):

Labcorp Genetics (formerly Invitae), Labcorp
Classification: Likely benign for Fanconi anemia. Last evaluated: 2025-12-08. Review status: criteria provided, single submitter. Criteria: Invitae Variant Classification Sherloc (09022015). Collection method: clinical testing. Allele origin: germline.

GeneDx
Classification: Uncertain significance. Last evaluated: 2025-08-22. Review status: criteria provided, single submitter. Criteria: GeneDx Variant Classification Process June 2021. Collection method: clinical testing. Allele origin: germline. Affected: yes.
Comment: In silico analysis supports that this missense variant has a deleterious effect on protein structure/function; Has not been previously published as pathogenic or benign to our knowledge

Quest Diagnostics Nichols Institute San Juan Capistrano
Classification: Uncertain significance. Last evaluated: 2024-07-31. Review status: criteria provided, single submitter. Criteria: Quest Diagnostics criteria. Collection method: clinical testing. Allele origin: unknown.
Comment: The FANCA c.2126C>T (p.Pro709Leu) variant has not been reported in individuals with FANCA-related conditions in the published literature. The frequency of this variant in the general population, 0.00029 (3/10370 chromosomes (Genome Aggregation Database)), is uninformative in the assessment of its pathogenicity. Analysis of this variant using bioinformatics tools for the prediction of the effect of amino acid changes on protein structure and function yielded predictions that this variant is benign. Based on the available information, we are unable to determine the clinical significance of this variant.

Fulgent Genetics
Classification: Uncertain significance for Fanconi anemia complementation group A. Last evaluated: 2021-10-29. Review status: criteria provided, single submitter. Criteria: ACMG Guidelines, 2015. Collection method: clinical testing. Allele origin: unknown.

NM_000135.4(FANCA):c.2126C>T (p.Pro709Leu)

Gene: FANCA (FA complementation group A; minus strand). Cytogenetic location: 16q24.3.
Variant type: single nucleotide variant.
Coding change: c.2126C>T on transcript NM_000135.4 (MANE Select); coding-DNA position 2126, C replaced by T.
Protein change: p.Pro709Leu; replaces proline 709 with leucine.
Molecular consequence: missense variant.
Genome position (GRCh38, 1-based): chr16:89,771,703, G>A on the plus strand (C>T on the coding strand, the complement: FANCA is on the minus strand). VCF-style: chr16-89771703-G-A. GRCh37 (hg19) VCF-style: chr16-89838111-G-A.
Other names: c.2126C>T (NM_000135.3); c.2126C>T, p.Pro709Leu (NM_001286167.3); short protein forms P709L.
Identifiers: ClinVar variation 1461115 (VCV001461115.12), dbSNP rs148203537, ClinGen allele CA8251900.
Genomic context (GRCh38, chr16:89,771,703, plus strand): 5'-AGACCCCCTGCTTTGTTCTGAGCCCCTACACCTACCATGTGTTCCCGTGGCTCCAGTCTC[G>A]GCGTGTTGATGCTGAGCTGAATCTTTGATATCTCAACGCTGCTGTCATCCTCATTGTGGC-3'
Protein context (NP_000126.2, residues 699-719): ISKIQLSINT[Pro709Leu]RLEPREHMAV